The following is an entry in ClinVar:

ClinVar aggregate classification (germline): Uncertain significance (1 of 4 stars; one submission).

Allele frequency attached by ClinVar (database versions not stated): gnomAD exomes below 0.00001; gnomAD 0.00001; TOPMed 0.00002.
gnomAD v4.1: 4 of 1,614,146 alleles (0.00025%); highest among the groups gnomAD compares: Non-Finnish European, 0.00034%; no homozygotes.

Submission:

Labcorp Genetics (formerly Invitae), Labcorp
Classification: Uncertain significance. Last evaluated: 2024-02-17. Review status: criteria provided, single submitter. Criteria: Invitae Variant Classification Sherloc (09022015). Collection method: clinical testing. Allele origin: germline.
Comment: This sequence change replaces isoleucine, which is neutral and non-polar, with valine, which is neutral and non-polar, at codon 982 of the USP7 protein (p.Ile982Val). This variant is not present in population databases (gnomAD no frequency). This variant has not been reported in the literature in individuals affected with USP7-related conditions. ClinVar contains an entry for this variant (Variation ID: 2010122). An algorithm developed to predict the effect of missense changes on protein structure and function (PolyPhen-2) suggests that this variant is likely to be tolerated. In summary, the available evidence is currently insufficient to determine the role of this variant in disease. Therefore, it has been classified as a Variant of Uncertain Significance.

NM_003470.3(USP7):c.2944A>G (p.Ile982Val)

Gene: USP7 (ubiquitin specific peptidase 7; minus strand). Cytogenetic location: 16p13.2.
Variant type: single nucleotide variant.
Coding change: c.2944A>G on transcript NM_003470.3 (MANE Select); coding-DNA position 2944, A replaced by G.
Protein change: p.Ile982Val; replaces isoleucine 982 with valine.
Molecular consequence: missense variant. On other transcripts: non-coding transcript variant (1).
Genome position (GRCh38, 1-based): chr16:8,895,126, T>C on the plus strand (A>G on the coding strand, the complement: USP7 is on the minus strand). VCF-style: chr16-8895126-T-C. GRCh37 (hg19) VCF-style: chr16-8988983-T-C.
Other names: c.2896A>G, p.Ile966Val (NM_001286457.2); c.2647A>G, p.Ile883Val (NM_001286458.2); c.2770A>G, p.Ile924Val (NM_001321858.2); short protein forms I924V, I883V, I966V, I982V.
Identifiers: ClinVar variation 2010122 (VCV002010122.4), dbSNP rs1230301328, ClinGen allele CA394695819.
Genomic context (GRCh38, chr16:8,895,126, plus strand): 5'-TTCCGAAGACCTCTTTGTGGAAATGCGCCACTGTGACAAGCATCTCATTCTCTTTGTCTA[T>C]GTCCACCTGGTCCAAAGGGATTTCCTGGGGACACGGACAACAGACACAGTTCTGTAAGTG-3'
Protein context (NP_003461.2, residues 972-992): IEEIPLDQVD[Ile982Val]DKENEMLVTV